The following is an entry in ClinVar:

NM_024675.4(PALB2):c.2276A>T (p.Gln759Leu)

Gene: PALB2 (partner and localizer of BRCA2; minus strand). Cytogenetic location: 16p12.2.
Variant type: single nucleotide variant.
Coding change: c.2276A>T on transcript NM_024675.4 (MANE Select); coding-DNA position 2276, A replaced by T.
Protein change: p.Gln759Leu; replaces glutamine 759 with leucine.
Molecular consequence: missense variant.
Genome position (GRCh38, 1-based): chr16:23,629,878, T>A on the plus strand (A>T on the coding strand, the complement: PALB2 is on the minus strand). VCF-style: chr16-23629878-T-A. GRCh37 (hg19) VCF-style: chr16-23641199-T-A.
Other names: short protein forms Q759L.
Identifiers: ClinVar variation 1436450 (VCV001436450.7), dbSNP rs1555460421, ClinGen allele CA395125373.

ClinVar aggregate classification (germline): Uncertain significance (1 of 4 stars; one submission).

Conditions:
Familial cancer of breast. Also called: hereditary breast carcinoma; BREAST CANCER, FAMILIAL; Hereditary breast cancer. Identifiers: Orphanet 227535, MedGen C0346153, MONDO:0016419, OMIM 114480. Disease mechanism: loss of function.

Submission:

Labcorp Genetics (formerly Invitae), Labcorp
Classification: Uncertain significance for Familial cancer of breast. Last evaluated: 2021-11-19. Review status: criteria provided, single submitter. Criteria: Invitae Variant Classification Sherloc (09022015). Collection method: clinical testing. Allele origin: germline.
Comment: This variant has not been reported in the literature in individuals affected with PALB2-related conditions. This sequence change replaces glutamine, which is neutral and polar, with leucine, which is neutral and non-polar, at codon 759 of the PALB2 protein (p.Gln759Leu). This variant is not present in population databases (gnomAD no frequency). Algorithms developed to predict the effect of missense changes on protein structure and function (SIFT, PolyPhen-2, Align-GVGD) all suggest that this variant is likely to be tolerated. In summary, the available evidence is currently insufficient to determine the role of this variant in disease. Therefore, it has been classified as a Variant of Uncertain Significance.